The following is an entry in ClinVar:

NM_004360.5(CDH1):c.1414A>T (p.Thr472Ser)

Gene: CDH1 (cadherin 1; plus strand). Cytogenetic location: 16q22.1.
Variant type: single nucleotide variant.
Coding change: c.1414A>T on transcript NM_004360.5 (MANE Select); coding-DNA position 1414, A replaced by T.
Protein change: p.Thr472Ser; replaces threonine 472 with serine.
Molecular consequence: missense variant. On other transcripts: 5 prime UTR variant (2).
Genome position (GRCh38, 1-based): chr16:68,815,608, A>T. VCF-style: chr16-68815608-A-T. GRCh37 (hg19) VCF-style: chr16-68849511-A-T.
Other names: c.1231A>T, p.Thr411Ser (NM_001317184.2); c.-135A>T (NM_001317185.2); c.-406A>T (NM_001317186.2); short protein forms T472S, T411S.
Identifiers: ClinVar variation 819155 (VCV000819155.4), dbSNP rs1597897944, ClinGen allele CA396462949.
Genomic context (GRCh38, chr16:68,815,608, plus strand): 5'-CTACACGTAGCAGTGACGAATGTGGTACCTTTTGAGGTCTCTCTCACCACCTCCACAGCC[A>T]CCGTCACCGTGGATGTGCTGGATGTGAATGAAGCCCCCATCTTTGTGCCTCCTGAAAAGA-3'
Protein context (NP_004351.1, residues 462-482): FEVSLTTSTA[Thr472Ser]VTVDVLDVNE

ClinVar aggregate classification (germline): Uncertain significance (1 of 4 stars; one submission).

Conditions:
Hereditary cancer-predisposing syndrome. Also called: Tumor predisposition; Hereditary neoplastic syndrome; Neoplastic Syndromes, Hereditary; Hereditary Cancer Syndrome. Identifiers: Orphanet 140162, MedGen C0027672, MeSH D009386, MONDO:0015356.

Submission:

Ambry Genetics
Classification: Uncertain significance for Hereditary cancer-predisposing syndrome. Last evaluated: 2019-06-11. Review status: criteria provided, single submitter. Criteria: Ambry Variant Classification Scheme 2023. Collection method: clinical testing. Allele origin: germline.
Comment: The p.T472S variant (also known as c.1414A>T), located in coding exon 10 of the CDH1 gene, results from an A to T substitution at nucleotide position 1414. The threonine at codon 472 is replaced by serine, an amino acid with similar properties. This amino acid position is highly conserved in available vertebrate species. In addition, this alteration is predicted to be tolerated by in silico analysis. Since supporting evidence is limited at this time, the clinical significance of this alteration remains unclear.